The following is an entry in ClinVar:

ClinVar aggregate classification (germline): Uncertain significance (1 of 4 stars; one submission).

Conditions:
ALG9 congenital disorder of glycosylation (CDG1L). Also called: CONGENITAL DISORDER OF GLYCOSYLATION, TYPE Il; CDG Il; ALG9-CDG. Identifiers: Orphanet 79328, MedGen C2931006, MONDO:0012117, OMIM 608776.

Submission:

Labcorp Genetics (formerly Invitae), Labcorp
Classification: Uncertain significance for ALG9 congenital disorder of glycosylation. Last evaluated: 2022-05-05. Review status: criteria provided, single submitter. Criteria: Invitae Variant Classification Sherloc (09022015). Collection method: clinical testing. Allele origin: germline.
Comment: In summary, the available evidence is currently insufficient to determine the role of this variant in disease. Therefore, it has been classified as a Variant of Uncertain Significance. Algorithms developed to predict the effect of missense changes on protein structure and function output the following: SIFT: "Tolerated"; PolyPhen-2: "Benign"; Align-GVGD: "Class C0". The leucine amino acid residue is found in multiple mammalian species, which suggests that this missense change does not adversely affect protein function. This variant has not been reported in the literature in individuals affected with ATP6V0A2-related conditions. This variant is not present in population databases (gnomAD no frequency). This sequence change replaces proline, which is neutral and non-polar, with leucine, which is neutral and non-polar, at codon 495 of the ATP6V0A2 protein (p.Pro495Leu).

NM_012463.4(ATP6V0A2):c.1484C>T (p.Pro495Leu)

Gene: ATP6V0A2 (ATPase H+ transporting V0 subunit a2; plus strand). Cytogenetic location: 12q24.31.
Variant type: single nucleotide variant.
Coding change: c.1484C>T on transcript NM_012463.4 (MANE Select); coding-DNA position 1484, C replaced by T.
Protein change: p.Pro495Leu; replaces proline 495 with leucine.
Molecular consequence: missense variant.
Genome position (GRCh38, 1-based): chr12:123,744,754, C>T. VCF-style: chr12-123744754-C-T. GRCh37 (hg19) VCF-style: chr12-124229301-C-T.
Other names: short protein forms P495L.
Identifiers: ClinVar variation 1992214 (VCV001992214.4), dbSNP rs2541864936, ClinGen allele CA387158101.
Genomic context (GRCh38, chr12:123,744,754, plus strand): 5'-CAGTCAACCTGTTCGGCTCTGGGTGGAACGTGTCGGCCATGTACAGCTCCAGCCACCCAC[C>T]CGCAGAGCATAAGAAGATGGTGCTTTGGAAGTAAGTGTCCCATAGCTGGTGATGCTCTGG-3'
Protein context (NP_036595.2, residues 485-505): VSAMYSSSHP[Pro495Leu]AEHKKMVLWN